The following is an entry in ClinVar:

ClinVar aggregate classification (germline): Pathogenic (1 of 4 stars; one submission).

Conditions:
Hereditary cancer-predisposing syndrome. Also called: Neoplastic Syndromes, Hereditary; Tumor predisposition; Hereditary neoplastic syndrome; Hereditary Cancer Syndrome. Identifiers: Orphanet 140162, MedGen C0027672, MeSH D009386, MONDO:0015356.

Submission:

Ambry Genetics
Classification: Pathogenic for Hereditary cancer-predisposing syndrome. Last evaluated: 2024-01-18. Review status: criteria provided, single submitter. Criteria: Ambry Variant Classification Scheme 2023. Collection method: clinical testing. Allele origin: germline.
Comment: The c.1624delA pathogenic mutation, located in coding exon 11 of the PMS2 gene, results from a deletion of one nucleotide at nucleotide position 1624, causing a translational frameshift with a predicted alternate stop codon (p.T542Lfs*53). This variant is considered to be rare based on population cohorts in the Genome Aggregation Database (gnomAD). This alteration is expected to result in loss of function by premature protein truncation or nonsense-mediated mRNA decay. As such, this alteration is interpreted as a disease-causing mutation.

NM_000535.7(PMS2):c.1624del (p.Thr542fs)

Gene: PMS2 (PMS1 homolog 2, mismatch repair system component; minus strand). Cytogenetic location: 7p22.1.
Variant type: Deletion.
Coding change: c.1624del on transcript NM_000535.7 (MANE Select); coding-DNA position 1624, one base deleted (A; older notation c.1624delA).
Protein change: p.Thr542fs; shifts the reading frame from threonine 542.
Molecular consequence: frameshift variant. On other transcripts: non-coding transcript variant (1), intron variant (1).
Genome position (GRCh38, 1-based): chr7:5,987,141, T deleted on the plus strand (A on the coding strand, the reverse complement: PMS2 is on the minus strand); the first of 4 consecutive T bases (chr7:5,987,141-5,987,144); deleting any one gives the same sequence. VCF-style (leftmost placement, unchanged base first): chr7-5987140-GT-G. GRCh37 (hg19) VCF-style: chr7-6026771-GT-G.
Other names: c.1216delG, p.Glu406Lysfs (NM_001018040.1); c.1219del, p.Thr407fs (NM_001322003.2, NM_001322004.2, NM_001322005.2 and 16 more transcripts); c.1468del, p.Thr490fs (NM_001322006.2, NM_001406870.1); c.1306del, p.Thr436fs (NM_001322007.2, NM_001322008.2, NM_001406876.1 and 2 more transcripts); c.1063del, p.Thr355fs (NM_001322010.2, NM_001406906.1, NM_001406907.1); c.691del, p.Thr231fs (NM_001322011.2, NM_001322012.2); c.1051del, p.Thr351fs (NM_001322013.2, NM_001406909.1); c.1624del, p.Thr542fs (NM_001322014.2, NM_001406871.1, NM_001406872.1); and 15 more; short protein forms T231fs, T285fs, T351fs, T355fs, T371fs, T384fs, T387fs, T407fs.
Identifiers: ClinVar variation 3231983 (VCV003231983.1), dbSNP rs2535760285, ClinGen allele CA2825001541.